The following is an entry in ClinVar:

ClinVar aggregate classification (germline): Benign/Likely benign. Review status: criteria provided, multiple submitters, no conflicts (2 of 4 stars). 4 submissions from 4 submitters: Benign (1); Likely benign (2). 1 of the submissions does not count toward it. Last evaluated 2026-01-23.

Conditions:
RELA-related disorder. Also called: RELA-related condition.

Allele frequency attached by ClinVar (database versions not stated): gnomAD 0.00011 and 0.00013; TOPMed 0.00011; gnomAD exomes 0.00017 and 0.00023; ExAC 0.00023; ESP Exome Variant Server 0.00031.
gnomAD v4.1: 351 of 1,611,880 alleles (0.022%); highest among the groups gnomAD compares: South Asian, 0.047%; no homozygotes.

Submissions (4):

Women's Health and Genetics/Laboratory Corporation of America, LabCorp
Classification: Benign. Last evaluated: 2026-01-23. Review status: criteria provided, single submitter. Criteria: LabCorp Variant Classification Summary - May 2015. Collection method: clinical testing. Allele origin: germline.

Labcorp Genetics (formerly Invitae), Labcorp
Classification: Likely benign. Last evaluated: 2025-12-29. Review status: criteria provided, single submitter. Criteria: Invitae Variant Classification Sherloc (09022015). Collection method: clinical testing. Allele origin: germline.

Blueprint Genetics
Classification: Likely benign. Last evaluated: 2024-11-11. Review status: criteria provided, single submitter. Criteria: ACMG Guidelines, 2015. Collection method: clinical testing. Allele origin: germline.

PreventionGenetics, part of Exact Sciences
Classification: Likely benign for RELA-related condition. Last evaluated: 2019-07-03. Review status: no assertion criteria provided. Collection method: clinical testing. Allele origin: germline. Not counted in ClinVar's aggregate classification.
Comment: This variant is classified as likely benign based on ACMG/AMP sequence variant interpretation guidelines (Richards et al. 2015 PMID: 25741868, with internal and published modifications).

NM_021975.4(RELA):c.831C>T (p.Asp277=)

Gene: RELA (RELA proto-oncogene, NF-kB subunit; minus strand). Cytogenetic location: 11q13.1.
Variant type: single nucleotide variant.
Coding change: c.831C>T on transcript NM_021975.4 (MANE Select); coding-DNA position 831, C replaced by T.
Protein change: p.Asp277=; no amino-acid change (aspartic acid 277 retained).
Molecular consequence: synonymous variant.
Genome position (GRCh38, 1-based): chr11:65,658,333, G>A on the plus strand (C>T on the coding strand, the complement: RELA is on the minus strand). VCF-style: chr11-65658333-G-A. GRCh37 (hg19) VCF-style: chr11-65425804-G-A.
Other names: c.822C>T, p.Asp274= (NM_001145138.2); c.831C>T, p.Asp277= (NM_001243984.2, NM_001243985.2); c.831C>T (NM_021975.3).
Identifiers: ClinVar variation 1550095 (VCV001550095.12), dbSNP rs147357241, ClinGen allele CA6106791.